The following is an entry in ClinVar:

ClinVar aggregate classification (germline): Likely pathogenic (1 of 4 stars; one submission).

Conditions:
Becker muscular dystrophy, Cardiomyopathy, Duchenne muscular dystrophy, Dystrophin deficiency.

Submission:

Natera, Inc.
Classification: Likely pathogenic for Becker muscular dystrophy, Cardiomyopathy, Duchenne muscular dystrophy, Dystrophin deficiency. Last evaluated: 2025-09-11. Review status: criteria provided, single submitter. Criteria: Natera Variant Classification Schema (03/2026). Collection method: clinical testing. Allele origin: germline.
Comment: The c.3432+2240A>G variant in DMD is an intronic variant located outside the canonical splice sites. This variant is rare in the general population with a frequency below the threshold expected for the associated phenotype(s). This variant has been observed in affected individual(s) with monoallelic occurrence (heterozygous/hemizygous) (PMID: 12754707, 10094556). This variant has been identified in one or more affected individual with a phenotype highly consistent with the associated gene (PMID: 12754707, 10094556). Functional studies show that this variant may disrupt protein function (PMID: 12754707, 10094556). Given the available evidence, this variant is classified as Likely Pathogenic.

Literature cited by the submitters: PubMed 12754707; PubMed 10094556.

NM_004006.3(DMD):c.3432+2240A>G

Gene: DMD (dystrophin; minus strand). Cytogenetic location: Xp21.1.
Variant type: single nucleotide variant.
Coding change: c.3432+2240A>G on transcript NM_004006.3 (MANE Select); 2240 bases into the intron after coding-DNA position 3432, A replaced by G.
Molecular consequence: intron variant.
Genome position (GRCh38, 1-based): chrX:32,461,199, T>C on the plus strand (A>G on the coding strand, the complement: DMD is on the minus strand). VCF-style: chrX-32461199-T-C. GRCh37 (hg19) VCF-style: chrX-32479316-T-C.
Other names: c.3408+2240A>G (NM_000109.4); c.3420+2240A>G (NM_004009.3); c.3063+2240A>G (NM_004010.3).
Identifiers: ClinVar variation 4815304 (VCV004815304.1).